The following is an entry in ClinVar:

ClinVar aggregate classification (germline): Uncertain significance (1 of 4 stars; one submission).

Submission:

Women's Health and Genetics/Laboratory Corporation of America, LabCorp
Classification: Uncertain significance. Last evaluated: 2024-09-13. Review status: criteria provided, single submitter. Criteria: LabCorp Variant Classification Summary - May 2015. Collection method: clinical testing. Allele origin: germline.
Comment: Variant summary: HIVEP2 c.4659G>T alters a non-conserved nucleotide resulting in a synonymous change. Several computational tools predict a significant impact on normal splicing: Three predict the variant creates a 5' donor site. However, these predictions have yet to be confirmed by functional studies. The variant was absent in 249542 control chromosomes. The available data on variant occurrences in the general population are insufficient to allow any conclusion about variant significance. To our knowledge, no occurrence of c.4659G>T in individuals affected with Intellectual Disability, Autosomal Dominant 43 and no experimental evidence demonstrating its impact on protein function have been reported. No submitters have cited clinical-significance assessments for this variant to ClinVar. Based on the evidence outlined above, the variant was classified as uncertain significance.

NM_006734.4(HIVEP2):c.4659G>T (p.Gly1553=)

Gene: HIVEP2 (HIVEP zinc finger 2; minus strand). Cytogenetic location: 6q24.2.
Variant type: single nucleotide variant.
Coding change: c.4659G>T on transcript NM_006734.4 (MANE Select); coding-DNA position 4659, G replaced by T.
Protein change: p.Gly1553=; no amino-acid change (glycine 1553 retained).
Molecular consequence: synonymous variant.
Genome position (GRCh38, 1-based): chr6:142,770,080, C>A on the plus strand (G>T on the coding strand, the complement: HIVEP2 is on the minus strand). VCF-style: chr6-142770080-C-A. GRCh37 (hg19) VCF-style: chr6-143091217-C-A.
Identifiers: ClinVar variation 3374809 (VCV003374809.1).